The following is an entry in ClinVar:

ClinVar aggregate classification (germline): Likely benign. Review status: criteria provided, multiple submitters, no conflicts (2 of 4 stars). 2 submissions from 2 submitters: Likely benign (2). Last evaluated 2025-03-01.

Conditions:
GNPTG-mucolipidosis. Also called: Mucolipidosis type III gamma; ML III GAMMA; ML IIIC; MUCOLIPIDOSIS III, COMPLEMENTATION GROUP C; MUCOLIPIDOSIS III, IRANIAN VARIANT FORM; MUCOLIPIDOSIS III, VARIANT FORM. Identifiers: Orphanet 423470, Orphanet 577, MedGen C1854896, MONDO:0009652, OMIM 252605.

Allele frequency attached by ClinVar (database versions not stated): gnomAD 0.00280; TOPMed 0.00405; 1000 Genomes Project 0.00479; 1000 Genomes Project 30x 0.00578.
gnomAD v4.1: 888 of 1,353,642 alleles (0.066%); highest among the groups gnomAD compares: African/African-American, 1.1%; 4 homozygotes.

Submissions (2):

CeGaT Center for Human Genetics Tuebingen
Classification: Likely benign. Last evaluated: 2025-03-01. Review status: criteria provided, single submitter. Criteria: CeGaT Center For Human Genetics Tuebingen Variant Classification Criteria Version 2. Collection method: clinical testing. Allele origin: germline. Affected: yes. Observed: 2 variant alleles.
Comment: GNPTG: BS1

Illumina Laboratory Services, Illumina
Classification: Likely benign for GNPTG-mucolipidosis. Last evaluated: 2018-01-13. Review status: criteria provided, single submitter. Criteria: ICSL Variant Classification Criteria 13 December 2019. Collection method: clinical testing. Allele origin: germline.
Comment: This variant was observed in the ICSL laboratory as part of a predisposition screen in an ostensibly healthy population. It had not been previously curated by ICSL or reported in the Human Gene Mutation Database (HGMD: prior to June 1st, 2018), and was therefore a candidate for classification through an automated scoring system. Utilizing variant allele frequency, disease prevalence and penetrance estimates, and inheritance mode, an automated score was calculated to assess if this variant is too frequent to cause the disease. Based on the score and internal cut-off values, a variant classified as likely benign is not then subjected to further curation. The score for this variant resulted in a classification of likely benign for this disease.

NM_032520.5(GNPTG):c.*68G>T

Gene: GNPTG (N-acetylglucosamine-1-phosphate transferase subunit gamma; plus strand). Cytogenetic location: 16p13.3.
Variant type: single nucleotide variant.
Coding change: c.*68G>T on transcript NM_032520.5 (MANE Select); 68 bases downstream of the stop codon, G replaced by T.
Molecular consequence: 3 prime UTR variant.
Genome position (GRCh38, 1-based): chr16:1,363,159, G>T. VCF-style: chr16-1363159-G-T. GRCh37 (hg19) VCF-style: chr16-1413160-G-T.
Identifiers: ClinVar variation 317897 (VCV000317897.29), dbSNP rs60000415, ClinGen allele CA10646958.
Genomic context (GRCh38, chr16:1,363,159, plus strand): 5'-GTGGGAGAGCAGAGGTGGACGCGGCCGAGAGCCCTACAGAGAAGCTGGCTGGTAGGACCC[G>T]CAGGGACCAGCTGACCAGGCTTGTGCTCAGAGAAGCAGACAAAACAAAGATTCAAGGTTT-3'